The following is an entry in ClinVar:

NM_001350451.2(RBFOX3):c.743_750dup (p.Gly251fs)

Gene: RBFOX3 (RNA binding fox-1 homolog 3; minus strand). Cytogenetic location: 17q25.3.
Variant type: Duplication.
Coding change: c.743_750dup on transcript NM_001350451.2 (MANE Select); coding-DNA positions 743 to 750, 8 bases duplicated (CGACTTAC; older notation c.743_750dupCGACTTAC).
Protein change: p.Gly251fs; shifts the reading frame from glycine 251.
Molecular consequence: frameshift variant.
Genome position (GRCh38, 1-based): chr17:79,097,297-79,097,304, GTAAGTCG duplicated on the plus strand (CGACTTAC on the coding strand, the reverse complement: RBFOX3 is on the minus strand); duplicating any 8 consecutive bases within chr17:79,097,297-79,097,305 gives the same sequence; the c. name uses the placement nearest the transcript's 3' end. VCF-style (leftmost placement, unchanged base first): chr17-79097296-C-CGTAAGTCG. GRCh37 (hg19) VCF-style: chr17-77093378-C-CGTAAGTCG.
Other names: c.743_750dup, p.Gly251fs (NM_001082575.3, NM_001350453.2, NM_001385804.1 and 33 more transcripts); c.740_747dup, p.Gly250fs (NM_001385806.1, NM_001385822.1, NM_001385823.1 and 4 more transcripts); c.650_657dup, p.Gly220fs (NM_001385824.1); c.596_603dup, p.Gly202fs (NM_001385847.1); c.764_771dup, p.Gly258fs (NM_001385827.1); short protein forms G251fs, G258fs, G250fs, G202fs, G220fs.
Identifiers: ClinVar variation 2836536 (VCV002836536.3), dbSNP rs2510117637, ClinGen allele CA2739268485.
Genomic context (GRCh38, chr17:79,097,296, plus strand): 5'-CCTCCTCCCCGCCGTCCTACCCCCTCCTCCACGCCTCCCCCGGCCCAGGTACTCACGCTC[C>CGTAAGTCG]GTAAGTCGGGATGGGGGGTGGGGGTGGCGCAGCCCGAAATGTATTATACACGGCCCGGCC-3'

ClinVar aggregate classification (germline): Uncertain significance (1 of 4 stars; one submission).

Conditions:
Idiopathic generalized epilepsy. Also called: EIG; Generalised epilepsy. Identifiers: MedGen C0270850, MONDO:0005579, OMIM 600669.

Submission:

Labcorp Genetics (formerly Invitae), Labcorp
Classification: Uncertain significance for Idiopathic generalized epilepsy. Last evaluated: 2026-01-12. Review status: criteria provided, single submitter. Criteria: Invitae Variant Classification Sherloc (09022015). Collection method: clinical testing. Allele origin: germline.
Comment: This sequence change is expected to alter the c-terminus of the RBFOX3 protein (p.Gly251Argfs*76). While this is not anticipated to result in nonsense mediated decay, it is expected to disrupt the last 62 amino acid(s) of the RBFOX3 protein and extend the protein by 13 additional amino acid residues. This variant is not present in population databases (gnomAD no frequency). This variant has not been reported in the literature in individuals affected with RBFOX3-related conditions. ClinVar contains an entry for this variant (Variation ID: 2836536). Experimental studies and prediction algorithms are not available or were not evaluated, and the functional significance of this variant is currently unknown. In summary, the available evidence is currently insufficient to determine the role of this variant in disease. Therefore, it has been classified as a Variant of Uncertain Significance.